The following is an entry in ClinVar:

NM_012079.6(DGAT1):c.1160+1G>A

Gene: DGAT1 (diacylglycerol O-acyltransferase 1; minus strand). Cytogenetic location: 8q24.3.
Variant type: single nucleotide variant.
Coding change: c.1160+1G>A on transcript NM_012079.6 (MANE Select); the canonical splice donor site of the intron after coding-DNA position 1160, G replaced by A.
Molecular consequence: splice donor variant.
Genome position (GRCh38, 1-based): chr8:144,317,186, C>T on the plus strand (G>A on the coding strand, the complement: DGAT1 is on the minus strand). VCF-style: chr8-144317186-C-T. GRCh37 (hg19) VCF-style: chr8-145540849-C-T.
Identifiers: ClinVar variation 1488897 (VCV001488897.7), dbSNP rs1554847229, ClinGen allele CA372608344.

ClinVar aggregate classification (germline): Likely pathogenic. Review status: criteria provided, multiple submitters, no conflicts (2 of 4 stars). 2 submissions from 2 submitters: Likely pathogenic (2). Last evaluated 2021-12-10.

Conditions:
DGAT1-related disorder. Also called: DGAT1-related condition.

Submissions (2):

Blueprint Genetics
Classification: Likely pathogenic for DGAT1-related disorders. Last evaluated: 2021-12-10. Review status: criteria provided, single submitter. Criteria: ACMG Guidelines, 2015. Collection method: clinical testing. Allele origin: germline. Affected: yes. Observed: 1 variant allele.

Labcorp Genetics (formerly Invitae), Labcorp
Classification: Likely pathogenic. Last evaluated: 2021-09-30. Review status: criteria provided, single submitter. Criteria: Invitae Variant Classification Sherloc (09022015). Collection method: clinical testing. Allele origin: germline.
Comment: In summary, the currently available evidence indicates that the variant is pathogenic, but additional data are needed to prove that conclusively. Therefore, this variant has been classified as Likely Pathogenic. Algorithms developed to predict the effect of sequence changes on RNA splicing suggest that this variant may disrupt the consensus splice site. This variant has not been reported in the literature in individuals affected with DGAT1-related conditions. This variant is not present in population databases (ExAC no frequency). This sequence change affects a donor splice site in intron 14 of the DGAT1 gene. It is expected to disrupt RNA splicing. Variants that disrupt the donor or acceptor splice site typically lead to a loss of protein function (PMID: 16199547), and loss-of-function variants in DGAT1 are known to be pathogenic (PMID: 29604290).

Literature cited by the submitters: PubMed 16199547 (cited by Labcorp Genetics (formerly Invitae), Labcorp); PubMed 29604290 (cited by Labcorp Genetics (formerly Invitae), Labcorp).